The following is an entry in ClinVar:

ClinVar aggregate classification (germline): Conflicting classifications of pathogenicity. Review status: criteria provided, conflicting classifications (1 of 4 stars). 4 submissions from 4 submitters: Uncertain significance (3); Likely benign (1). Last evaluated 2025-07-13.

Conditions:
Inborn genetic diseases. Identifiers: MedGen C0950123, MeSH D030342.
Nemaline myopathy 2 (NEM2). Also called: Nemaline myopathy 2, autosomal recessive. Identifiers: MedGen C1850569, MONDO:0009725, OMIM 256030.

Allele frequency attached by ClinVar (database versions not stated): gnomAD 0.00001; TOPMed 0.00001; ExAC 0.00002; ESP Exome Variant Server 0.00008.
gnomAD v4.1: 42 of 1,613,774 alleles (0.0026%); highest among the groups gnomAD compares: Middle Eastern, 0.016%; no homozygotes.

Submissions (4):

Labcorp Genetics (formerly Invitae), Labcorp
Classification: Likely benign for Nemaline myopathy 2. Last evaluated: 2025-07-13. Review status: criteria provided, single submitter. Criteria: Invitae Variant Classification Sherloc (09022015). Collection method: clinical testing. Allele origin: germline.

Revvity Omics, Revvity
Classification: Uncertain significance. Last evaluated: 2024-10-22. Review status: criteria provided, single submitter. Criteria: ACMG Guidelines, 2015. Collection method: clinical testing. Allele origin: germline.

GeneDx
Classification: Uncertain significance. Last evaluated: 2023-06-29. Review status: criteria provided, single submitter. Criteria: GeneDx Variant Classification Process June 2021. Collection method: clinical testing. Allele origin: germline. Affected: yes.
Comment: Not observed at significant frequency in large population cohorts (gnomAD); In silico analysis supports that this missense variant has a deleterious effect on protein structure/function; Has not been previously published as pathogenic or benign to our knowledge

Ambry Genetics
Classification: Uncertain significance for Inborn genetic diseases. Last evaluated: 2021-12-07. Review status: criteria provided, single submitter. Criteria: Ambry Variant Classification Scheme 2023. Collection method: clinical testing. Allele origin: germline.

NM_001164508.2(NEB):c.10987C>T (p.Arg3663Cys)

Gene: NEB (nebulin; minus strand). Cytogenetic location: 2q23.3.
Variant type: single nucleotide variant.
Coding change: c.10987C>T on transcript NM_001164508.2 (MANE Select); coding-DNA position 10987, C replaced by T.
Protein change: p.Arg3663Cys; replaces arginine 3663 with cysteine.
Molecular consequence: missense variant.
Genome position (GRCh38, 1-based): chr2:151,618,364, G>A on the plus strand (C>T on the coding strand, the complement: NEB is on the minus strand). VCF-style: chr2-151618364-G-A. GRCh37 (hg19) VCF-style: chr2-152474878-G-A.
Other names: c.10987C>T, p.Arg3663Cys (NM_001164507.2, NM_001271208.2); c.10258C>T, p.Arg3420Cys (NM_004543.5); c.10258C>T (NM_004543.4); short protein forms R3663C, R3420C.
Identifiers: ClinVar variation 2156319 (VCV002156319.9), dbSNP rs370189384, ClinGen allele CA1908907.
Genomic context (GRCh38, chr2:151,618,364, plus strand): 5'-CCAGCACCTGCTCCGGAGTGTCCGTTATACTGGTAAATTTCAGCGTTTCTGGACGCTGAC[G>A]GTAGATAGTATCACTAAGTAATTCTCCAGCTCTCTTGGCCCTAACAACTTCCAAGGAATC-3'
Protein context (NP_001157980.2, residues 3653-3673): AGELLSDTIY[Arg3663Cys]QRPETLKFTS